The following is an entry in ClinVar:

ClinVar aggregate classification (germline): Uncertain significance. Review status: criteria provided, multiple submitters, no conflicts (2 of 4 stars). 2 submissions from 2 submitters: Uncertain significance (2). Last evaluated 2025-08-20.

Conditions:
Amyotrophic lateral sclerosis type 9 (ALS9). Identifiers: Orphanet 803, MedGen C2678468, MONDO:0012753, OMIM 611895.

Allele frequency attached by ClinVar (database versions not stated): gnomAD 0.00001 and 0.00003; ExAC 0.00002; TOPMed 0.00004; 1000 Genomes Project 30x 0.00016; 1000 Genomes Project 0.00020.
gnomAD v4.1: 93 of 1,613,896 alleles (0.0058%); highest among the groups gnomAD compares: Non-Finnish European, 0.0073%; no homozygotes.

Submissions (2):

Labcorp Genetics (formerly Invitae), Labcorp
Classification: Uncertain significance. Last evaluated: 2025-08-20. Review status: criteria provided, single submitter. Criteria: Invitae Variant Classification Sherloc (09022015). Collection method: clinical testing. Allele origin: germline.
Comment: This sequence change replaces valine, which is neutral and non-polar, with alanine, which is neutral and non-polar, at codon 13 of the ANG protein (p.Val13Ala). This variant is present in population databases (rs200240901, gnomAD 0.006%). This missense change has been observed in individual(s) with Parkinson disease (PMID: 22190368). This variant is also known as V(-12)A. ClinVar contains an entry for this variant (Variation ID: 882865). Experimental studies and prediction algorithms are not available or were not evaluated, and the functional significance of this variant is currently unknown. In summary, the available evidence is currently insufficient to determine the role of this variant in disease. Therefore, it has been classified as a Variant of Uncertain Significance.

Illumina Laboratory Services, Illumina
Classification: Uncertain significance for Amyotrophic lateral sclerosis type 9. Last evaluated: 2017-04-27. Review status: criteria provided, single submitter. Criteria: ICSL Variant Classification Criteria 13 December 2019. Collection method: clinical testing. Allele origin: germline.

Literature cited by the submitters: PubMed 22190368 (cited by Labcorp Genetics (formerly Invitae), Labcorp).

NM_001097577.3(ANG):c.38T>C (p.Val13Ala)

Genes: EGILA (EGFR interacting lncRNA; minus strand), ANG (angiogenin; plus strand), RNASE4 (ribonuclease A family member 4; plus strand). Cytogenetic location: 14q11.2.
Variant type: single nucleotide variant.
Coding change: c.38T>C on transcript NM_001097577.3 (MANE Select); coding-DNA position 38, T replaced by C.
Protein change: p.Val13Ala; replaces valine 13 with alanine.
Molecular consequence: missense variant. On other transcripts: non-coding transcript variant (1), 5 prime UTR variant (1), intron variant (3).
Genome position (GRCh38, 1-based): chr14:20,693,602, T>C. VCF-style: chr14-20693602-T-C. GRCh37 (hg19) VCF-style: chr14-21161761-T-C.
Other names: c.38T>C, p.Val13Ala (NM_001145.4, NM_001385271.1, NM_001385272.1 and 2 more transcripts); c.-66T>C (NM_001282192.2); c.-17-5753T>C (NM_002937.5, NM_001282193.2); c.-18+4728T>C (NM_194431.3); short protein forms V13A.
Identifiers: ClinVar variation 882865 (VCV000882865.6), dbSNP rs200240901, ClinGen allele CA7083122.